The following is an entry in ClinVar:

ClinVar aggregate classification (germline): Uncertain significance (1 of 4 stars; one submission).

Conditions:
Gingival disorder. Also called: Gingival disease. Identifiers: MedGen C0017563, MONDO:0002021.

Allele frequency attached by ClinVar (database versions not stated): ExAC 0.00001; gnomAD exomes 0.00001; gnomAD 0.00002; TOPMed 0.00002.
gnomAD v4.1: 7 of 1,614,008 alleles (0.00043%); highest among the groups gnomAD compares: Admixed American, 0.0083%; no homozygotes.

Submission:

Labcorp Genetics (formerly Invitae), Labcorp
Classification: Uncertain significance for Gingival disorder. Last evaluated: 2025-07-27. Review status: criteria provided, single submitter. Criteria: Invitae Variant Classification Sherloc (09022015). Collection method: clinical testing. Allele origin: germline.
Comment: This sequence change replaces arginine, which is basic and polar, with serine, which is neutral and polar, at codon 190 of the FPR1 protein (p.Arg190Ser). This variant is present in population databases (rs773162997, gnomAD 0.006%). This variant has not been reported in the literature in individuals affected with FPR1-related conditions. ClinVar contains an entry for this variant (Variation ID: 856172). An algorithm developed to predict the effect of missense changes on protein structure and function (PolyPhen-2) suggests that this variant is likely to be tolerated. In summary, the available evidence is currently insufficient to determine the role of this variant in disease. Therefore, it has been classified as a Variant of Uncertain Significance.

NM_002029.4(FPR1):c.570G>C (p.Arg190Ser)

Gene: FPR1 (formyl peptide receptor 1; minus strand). Cytogenetic location: 19q13.41.
Variant type: single nucleotide variant.
Coding change: c.570G>C on transcript NM_002029.4 (MANE Select); coding-DNA position 570, G replaced by C.
Protein change: p.Arg190Ser; replaces arginine 190 with serine.
Molecular consequence: missense variant.
Genome position (GRCh38, 1-based): chr19:51,746,425, C>G on the plus strand (G>C on the coding strand, the complement: FPR1 is on the minus strand). VCF-style: chr19-51746425-C-G. GRCh37 (hg19) VCF-style: chr19-52249678-C-G.
Other names: c.570G>C, p.Arg190Ser (NM_001193306.2); short protein forms R190S.
Identifiers: ClinVar variation 856172 (VCV000856172.11), dbSNP rs773162997, ClinGen allele CA9616431.